The following is an entry in ClinVar:

ClinVar aggregate classification (germline): Likely benign (1 of 4 stars; one submission).

Conditions:
TUT1-related condition.

gnomAD v4.1: 2 of 1,601,812 alleles (0.00012%); highest among the groups gnomAD compares: African/African-American, 0.0013%; no homozygotes.

Submission:

PreventionGenetics, part of Exact Sciences
Classification: Likely benign for TUT1-related condition. Last evaluated: 2024-10-29. Review status: criteria provided, single submitter. Criteria: ACMG Guidelines, 2015. Collection method: clinical testing. Allele origin: germline.
Comment: This variant is classified as likely benign based on ACMG/AMP sequence variant interpretation guidelines (Richards et al. 2015 PMID: 25741868, with internal and published modifications).

NM_022830.3(TUT1):c.1146C>T (p.Val382=)

Gene: TUT1 (terminal uridylyl transferase 1, U6 snRNA-specific; minus strand). Cytogenetic location: 11q12.3.
Variant type: single nucleotide variant.
Coding change: c.1146C>T on transcript NM_022830.3 (MANE Select); coding-DNA position 1146, C replaced by T.
Protein change: p.Val382=; no amino-acid change (valine 382 retained).
Molecular consequence: synonymous variant.
Genome position (GRCh38, 1-based): chr11:62,578,575, G>A on the plus strand (C>T on the coding strand, the complement: TUT1 is on the minus strand). VCF-style: chr11-62578575-G-A. GRCh37 (hg19) VCF-style: chr11-62346047-G-A.
Other names: c.1146C>T, p.Val382= (NM_001367906.1).
Identifiers: ClinVar variation 4983180 (VCV004983180.1).